The following is an entry in ClinVar:

NM_016148.5(SHANK1):c.5876C>T (p.Ser1959Phe)

Gene: SHANK1 (SH3 and multiple ankyrin repeat domains 1; minus strand). Cytogenetic location: 19q13.33.
Variant type: single nucleotide variant.
Coding change: c.5876C>T on transcript NM_016148.5 (MANE Select); coding-DNA position 5876, C replaced by T.
Protein change: p.Ser1959Phe; replaces serine 1959 with phenylalanine.
Molecular consequence: missense variant.
Genome position (GRCh38, 1-based): chr19:50,662,575, G>A on the plus strand (C>T on the coding strand, the complement: SHANK1 is on the minus strand). VCF-style: chr19-50662575-G-A. GRCh37 (hg19) VCF-style: chr19-51165832-G-A.
Other names: short protein forms S1959F.
Identifiers: ClinVar variation 1306771 (VCV001306771.2), dbSNP rs2123059910, ClinGen allele CA407000542.

ClinVar aggregate classification (germline): Uncertain significance (1 of 4 stars; one submission).

Submission:

GeneDx
Classification: Uncertain significance. Last evaluated: 2020-03-05. Review status: criteria provided, single submitter. Criteria: GeneDx Variant Classification Process June 2021. Collection method: clinical testing. Allele origin: germline. Affected: yes.
Comment: Not observed in large population cohorts (Lek et al., 2016); In silico analysis supports that this missense variant has a deleterious effect on protein structure/function; Has not been previously published as pathogenic or benign to our knowledge; Variants in candidate genes are classified as variants of uncertain significance in accordance with ACMG guidelines (Richards et al., 2015)